The following is an entry in ClinVar:

ClinVar aggregate classification (germline): Uncertain significance (1 of 4 stars; one submission).

Conditions:
Developmental delay, impaired speech, and behavioral abnormalities. Identifiers: MedGen C5561957, MONDO:0859178, OMIM 619475.

Allele frequency attached by ClinVar (database versions not stated): gnomAD exomes below 0.00001; gnomAD 0.00001; 1000 Genomes Project 30x 0.00016; 1000 Genomes Project 0.00020.
gnomAD v4.1: 5 of 1,614,212 alleles (0.00031%); highest among the groups gnomAD compares: South Asian, 0.0055%; no homozygotes.

Submission:

Neuberg Centre For Genomic Medicine, NCGM
Classification: Uncertain significance for Developmental delay, impaired speech, and behavioral abnormalities. Review status: criteria provided, single submitter. Criteria: ACMG Guidelines, 2015. Collection method: clinical testing. Allele origin: germline. Inheritance: Autosomal dominant inheritance. Affected: yes.
Comment: The missense c.7012A>G (p.Ser2338Gly) variant in SPTBN1 gene has not been reported previously as a pathogenic variant nor as a benign variant, to our knowledge. The p.Ser2338Gly variant is reported with an allele frequency of 0.0008% in the gnomAD exomes database and is novel (not in any individuals) in 1000 Genomes database. This variant has not been reported to the ClinVar database. The amino acid change p.Ser2338Gly in SPTBN1 is predicted as conserved by GERP++ and PhyloP across 100 vertebrates. The amino acid Ser at position 2338 is changed to a Gly changing protein sequence and it might alter its composition and physico-chemical properties. For these reasons, this variant has been classified as a Variant of Uncertain Significance (VUS).

NM_003128.3(SPTBN1):c.7012A>G (p.Ser2338Gly)

Genes: SPTBN1 (spectrin beta, non-erythrocytic 1; plus strand), SPTBN1-AS2 (SPTBN1 antisense RNA 2; minus strand). Cytogenetic location: 2p16.2.
Variant type: single nucleotide variant.
Coding change: c.7012A>G on transcript NM_003128.3 (MANE Select); coding-DNA position 7012, A replaced by G.
Protein change: p.Ser2338Gly; replaces serine 2338 with glycine.
Molecular consequence: missense variant.
Genome position (GRCh38, 1-based): chr2:54,668,486, A>G. VCF-style: chr2-54668486-A-G. GRCh37 (hg19) VCF-style: chr2-54895623-A-G.
Other names: short protein forms S2338G.
Identifiers: ClinVar variation 3242057 (VCV003242057.1), dbSNP rs575609904.